The following is an entry in ClinVar:

ClinVar aggregate classification (germline): Uncertain significance. Review status: criteria provided, multiple submitters, no conflicts (2 of 4 stars). 2 submissions from 2 submitters: Uncertain significance (2). Last evaluated 2023-07-17.

Conditions:
Duchenne muscular dystrophy (DMD). Also called: Duchenne Muscular Dystrophy (DMD); MUSCULAR DYSTROPHY, PSEUDOHYPERTROPHIC PROGRESSIVE, DUCHENNE TYPE. Identifiers: Orphanet 98896, MedGen C0013264, MONDO:0010679, OMIM 310200.

Submissions (2):

Labcorp Genetics (formerly Invitae), Labcorp
Classification: Uncertain significance for Duchenne muscular dystrophy. Last evaluated: 2023-07-17. Review status: criteria provided, single submitter. Criteria: Invitae Variant Classification Sherloc (09022015). Collection method: clinical testing. Allele origin: germline.
Comment: This variant has not been reported in the literature in individuals affected with DMD-related conditions. In summary, the available evidence is currently insufficient to determine the role of this variant in disease. Therefore, it has been classified as a Variant of Uncertain Significance. Advanced modeling of protein sequence and biophysical properties (such as structural, functional, and spatial information, amino acid conservation, physicochemical variation, residue mobility, and thermodynamic stability) performed at Invitae indicates that this missense variant is not expected to disrupt DMD protein function. ClinVar contains an entry for this variant (Variation ID: 290454). This variant is not present in population databases (gnomAD no frequency). This sequence change replaces aspartic acid, which is acidic and polar, with asparagine, which is neutral and polar, at codon 1479 of the DMD protein (p.Asp1479Asn).

Eurofins Ntd Llc (ga)
Classification: Uncertain significance. Last evaluated: 2016-09-20. Review status: criteria provided, single submitter. Criteria: EGL Classification Definitions 2015. Collection method: clinical testing. Allele origin: germline. Observed: 1 variant allele, 1 hemizygote.

NM_004006.3(DMD):c.4435G>A (p.Asp1479Asn)

Gene: DMD (dystrophin; minus strand). Cytogenetic location: Xp21.1.
Variant type: single nucleotide variant.
Coding change: c.4435G>A on transcript NM_004006.3 (MANE Select); coding-DNA position 4435, G replaced by A.
Protein change: p.Asp1479Asn; replaces aspartic acid 1479 with asparagine.
Molecular consequence: missense variant.
Genome position (GRCh38, 1-based): chrX:32,389,584, C>T on the plus strand (G>A on the coding strand, the complement: DMD is on the minus strand). VCF-style: chrX-32389584-C-T. GRCh37 (hg19) VCF-style: chrX-32407701-C-T.
Other names: c.4411G>A, p.Asp1471Asn (NM_000109.4); c.4423G>A, p.Asp1475Asn (NM_004009.3); c.4066G>A, p.Asp1356Asn (NM_004010.3); c.412G>A, p.Asp138Asn (NM_004011.4); c.403G>A, p.Asp135Asn (NM_004012.4); short protein forms D1479N, D138N, D135N, D1471N, D1356N, D1475N.
Identifiers: ClinVar variation 290454 (VCV000290454.8), dbSNP rs886044457, ClinGen allele CA10606780.